The following is an entry in ClinVar:

ClinVar aggregate classification (germline): Uncertain significance (1 of 4 stars; one submission).

Conditions:
Schuurs-Hoeijmakers syndrome. Also called: PACS1-Related Neurodevelopmental Disorder. Identifiers: Orphanet 329224, MedGen C3554343, MONDO:0014006, OMIM 615009.

gnomAD v4.1: 5 of 1,614,060 alleles (0.00031%); highest among the groups gnomAD compares: Non-Finnish European, 0.00042%; no homozygotes.

Submission:

Labcorp Genetics (formerly Invitae), Labcorp
Classification: Uncertain significance for Schuurs-Hoeijmakers syndrome. Last evaluated: 2024-10-25. Review status: criteria provided, single submitter. Criteria: Invitae Variant Classification Sherloc (09022015). Collection method: clinical testing. Allele origin: germline.
Comment: This sequence change replaces aspartic acid, which is acidic and polar, with asparagine, which is neutral and polar, at codon 839 of the PACS1 protein (p.Asp839Asn). This variant is present in population databases (no rsID available, gnomAD 0.0009%). This variant has not been reported in the literature in individuals affected with PACS1-related conditions. ClinVar contains an entry for this variant (Variation ID: 1716182). Invitae Evidence Modeling of protein sequence and biophysical properties (such as structural, functional, and spatial information, amino acid conservation, physicochemical variation, residue mobility, and thermodynamic stability) indicates that this missense variant is not expected to disrupt PACS1 protein function with a negative predictive value of 80%. In summary, the available evidence is currently insufficient to determine the role of this variant in disease. Therefore, it has been classified as a Variant of Uncertain Significance.

NM_018026.4(PACS1):c.2515G>A (p.Asp839Asn)

Gene: PACS1 (phosphofurin acidic cluster sorting protein 1; plus strand). Cytogenetic location: 11q13.2.
Variant type: single nucleotide variant.
Coding change: c.2515G>A on transcript NM_018026.4 (MANE Select); coding-DNA position 2515, G replaced by A.
Protein change: p.Asp839Asn; replaces aspartic acid 839 with asparagine.
Molecular consequence: missense variant.
Genome position (GRCh38, 1-based): chr11:66,241,512, G>A. VCF-style: chr11-66241512-G-A. GRCh37 (hg19) VCF-style: chr11-66008983-G-A.
Other names: short protein forms D839N.
Identifiers: ClinVar variation 1716182 (VCV001716182.6), dbSNP rs1188567447, ClinGen allele CA381382186.